The following is an entry in ClinVar:

ClinVar aggregate classification (germline): Uncertain significance (1 of 4 stars; one submission).

Conditions:
Temtamy syndrome (TEMTYS). Also called: MENTAL RETARDATION WITH OR WITHOUT CRANIOFACIAL DYSMORPHISM, OCULAR COLOBOMA, OR ABNORMAL CORPUS CALLOSUM. Identifiers: Orphanet 1777, MedGen C1857512, MONDO:0009033, OMIM 218340.

Submission:

Labcorp Genetics (formerly Invitae), Labcorp
Classification: Uncertain significance for Temtamy syndrome. Last evaluated: 2022-10-13. Review status: criteria provided, single submitter. Criteria: Invitae Variant Classification Sherloc (09022015). Collection method: clinical testing. Allele origin: germline.
Comment: In summary, the available evidence is currently insufficient to determine the role of this variant in disease. Therefore, it has been classified as a Variant of Uncertain Significance. Algorithms developed to predict the effect of missense changes on protein structure and function output the following: SIFT: "Tolerated"; PolyPhen-2: "Benign"; Align-GVGD: "Class C0". The alanine amino acid residue is found in multiple mammalian species, which suggests that this missense change does not adversely affect protein function. ClinVar contains an entry for this variant (Variation ID: 938203). This variant has not been reported in the literature in individuals affected with C12orf57-related conditions. This variant is not present in population databases (gnomAD no frequency). This sequence change replaces serine, which is neutral and polar, with alanine, which is neutral and non-polar, at codon 5 of the C12orf57 protein (p.Ser5Ala).

NM_138425.4(C12orf57):c.13T>G (p.Ser5Ala)

Gene: C12orf57 (chromosome 12 open reading frame 57; plus strand). Cytogenetic location: 12p13.31.
Variant type: single nucleotide variant.
Coding change: c.13T>G on transcript NM_138425.4 (MANE Select); coding-DNA position 13, T replaced by G.
Protein change: p.Ser5Ala; replaces serine 5 with alanine.
Molecular consequence: missense variant. On other transcripts: 5 prime UTR variant (1), non-coding transcript variant (1), intron variant (1).
Genome position (GRCh38, 1-based): chr12:6,944,134, T>G. VCF-style: chr12-6944134-T-G. GRCh37 (hg19) VCF-style: chr12-7053297-T-G.
Other names: c.13T>G, p.Ser5Ala (NM_001301834.1, NM_001301837.2); c.-189T>G (NM_001301838.2); c.14-342T>G (NM_001301836.2); short protein forms S5A.
Identifiers: ClinVar variation 938203 (VCV000938203.7), dbSNP rs1945722680, ClinGen allele CA383744130.
Genomic context (GRCh38, chr12:6,944,134, plus strand): 5'-CGTGAGTTTTCCATTTACCTCCGCTGAACCTAGAGCTTCAGACGCCCTATGGCGTCCGCC[T>G]CGACCCAACCGGCGGCCTTGAGCGCTGAGCAAGCAAAGGGTGAGAATCGTCCTAGTCAAG-3'
Protein context (NP_612434.1, residues 1-15): MASA[Ser5Ala]TQPAALSAEQ